The following is an entry in ClinVar:

ClinVar aggregate classification (germline): Conflicting classifications of pathogenicity. Review status: criteria provided, conflicting classifications (1 of 4 stars). 2 submissions from 2 submitters: Likely pathogenic (1); Uncertain significance (1). Last evaluated 2026-08-25.

Conditions:
Familial adenomatous polyposis 2. Also called: MUTYH Polyposis; Adenomas, multiple colorectal; MUTYH-associated polyposis; MUTYH-related attenuated familial adenomatous polyposis; COLORECTAL ADENOMATOUS POLYPOSIS, AUTOSOMAL RECESSIVE; ADENOMAS, MULTIPLE COLORECTAL, AUTOSOMAL RECESSIVE. Identifiers: Orphanet 220460, Orphanet 247798, MedGen C3272841, MONDO:0012041, OMIM 608456.

Submissions (2):

Myriad Genetics, Inc.
Classification: Likely pathogenic for Familial adenomatous polyposis 2. Last evaluated: 2026-08-25. Review status: criteria provided, single submitter. Criteria: Myriad Autosomal Dominant, Autosomal Recessive and X-Linked Classification Criteria (2023). Collection method: clinical testing. Allele origin: unknown.
Comment: This variant is considered likely pathogenic. Functional studies indicate this variant impacts protein function [PMID: 40738107]. This variant is expected to disrupt protein structure [Myriad internal data].

Labcorp Genetics (formerly Invitae), Labcorp
Classification: Uncertain significance for Familial adenomatous polyposis 2. Last evaluated: 2022-09-07. Review status: criteria provided, single submitter. Criteria: Invitae Variant Classification Sherloc (09022015). Collection method: clinical testing. Allele origin: germline.
Comment: This sequence change replaces histidine, which is basic and polar, with tyrosine, which is neutral and polar, at codon 448 of the MUTYH protein (p.His448Tyr). In summary, the available evidence is currently insufficient to determine the role of this variant in disease. Therefore, it has been classified as a Variant of Uncertain Significance. Algorithms developed to predict the effect of missense changes on protein structure and function (SIFT, PolyPhen-2, Align-GVGD) all suggest that this variant is likely to be disruptive. ClinVar contains an entry for this variant (Variation ID: 1018594). This variant has not been reported in the literature in individuals affected with MUTYH-related conditions. This variant is not present in population databases (gnomAD no frequency).

Literature cited by the submitters: PubMed 40738107 (cited by Myriad Genetics, Inc.).

NM_001048174.2(MUTYH):c.1258C>T (p.His420Tyr)

Gene: MUTYH (mutY DNA glycosylase; minus strand). Cytogenetic location: 1p34.1.
Variant type: single nucleotide variant.
Coding change: c.1258C>T on transcript NM_001048174.2 (MANE Select); coding-DNA position 1258, C replaced by T.
Protein change: p.His420Tyr; replaces histidine 420 with tyrosine.
Molecular consequence: missense variant. On other transcripts: non-coding transcript variant (2).
Genome position (GRCh38, 1-based): chr1:45,331,316, G>A on the plus strand (C>T on the coding strand, the complement: MUTYH is on the minus strand). VCF-style: chr1-45331316-G-A. GRCh37 (hg19) VCF-style: chr1-45796988-G-A.
Other names: c.1258C>T, p.His420Tyr (NM_001048171.2, NM_001048173.2, NM_001293195.2); c.1261C>T, p.His421Tyr (NM_001048172.2); c.1342C>T, p.His448Tyr (NM_001128425.2); c.1303C>T, p.His435Tyr (NM_001293190.2); c.1291C>T, p.His431Tyr (NM_001293191.2); c.982C>T, p.His328Tyr (NM_001293192.2, NM_001293196.2); c.913C>T, p.His305Tyr (NM_001350650.2, NM_001350651.2); c.1333C>T, p.His445Tyr (NM_012222.3); short protein forms H305Y, H328Y, H420Y, H421Y, H431Y, H435Y, H445Y, H448Y.
Identifiers: ClinVar variation 1018594 (VCV001018594.9), dbSNP rs786202133, ClinGen allele CA340132773.